The following is an entry in ClinVar:

ClinVar aggregate classification (germline): Uncertain significance. Review status: criteria provided, multiple submitters, no conflicts (2 of 4 stars). 2 submissions from 2 submitters: Uncertain significance (2). Last evaluated 2022-01-31.

Conditions:
Hereditary cancer-predisposing syndrome. Also called: Hereditary Cancer Syndrome; Tumor predisposition; Neoplastic Syndromes, Hereditary; Hereditary neoplastic syndrome. Identifiers: Orphanet 140162, MedGen C0027672, MeSH D009386, MONDO:0015356.

Submissions (2):

Ambry Genetics
Classification: Uncertain significance for Hereditary cancer-predisposing syndrome. Last evaluated: 2022-01-31. Review status: criteria provided, single submitter. Criteria: Ambry Variant Classification Scheme 2023. Collection method: clinical testing. Allele origin: germline.
Comment: The p.G1755R variant (also known as c.5263G>A), located in coding exon 39 of the POLE gene, results from a G to A substitution at nucleotide position 5263. The glycine at codon 1755 is replaced by arginine, an amino acid with dissimilar properties. This amino acid position is conserved. In addition, this alteration is predicted to be tolerated by in silico analysis. Since supporting evidence is limited at this time, the clinical significance of this alteration remains unclear.

Labcorp Genetics (formerly Invitae), Labcorp
Classification: Uncertain significance. Last evaluated: 2020-07-12. Review status: criteria provided, single submitter. Criteria: Invitae Variant Classification Sherloc (09022015). Collection method: clinical testing. Allele origin: germline.
Comment: This variant is not present in population databases (ExAC no frequency). This sequence change replaces glycine with arginine at codon 1755 of the POLE protein (p.Gly1755Arg). The glycine residue is moderately conserved and there is a moderate physicochemical difference between glycine and arginine. This variant has not been reported in the literature in individuals with POLE-related conditions. Algorithms developed to predict the effect of missense changes on protein structure and function are either unavailable or do not agree on the potential impact of this missense change (SIFT: "Deleterious"; PolyPhen-2: "Possibly Damaging"; Align-GVGD: "Class C0"). In summary, the available evidence is currently insufficient to determine the role of this variant in disease. Therefore, it has been classified as a Variant of Uncertain Significance.

NM_006231.4(POLE):c.5263G>A (p.Gly1755Arg)

Gene: POLE (DNA polymerase epsilon, catalytic subunit; minus strand). Cytogenetic location: 12q24.33.
Variant type: single nucleotide variant.
Coding change: c.5263G>A on transcript NM_006231.4 (MANE Select); coding-DNA position 5263, G replaced by A.
Protein change: p.Gly1755Arg; replaces glycine 1755 with arginine.
Molecular consequence: missense variant.
Genome position (GRCh38, 1-based): chr12:132,641,762, C>T on the plus strand (G>A on the coding strand, the complement: POLE is on the minus strand). VCF-style: chr12-132641762-C-T. GRCh37 (hg19) VCF-style: chr12-133218348-C-T.
Other names: short protein forms G1755R.
Identifiers: ClinVar variation 1015153 (VCV001015153.11), dbSNP rs1171272614, ClinGen allele CA387376263.